The following is an entry in ClinVar:

NM_001277115.2(DNAH11):c.11965C>G (p.Gln3989Glu)

Gene: DNAH11 (dynein axonemal heavy chain 11; plus strand). Cytogenetic location: 7p15.3.
Variant type: single nucleotide variant.
Coding change: c.11965C>G on transcript NM_001277115.2 (MANE Select); coding-DNA position 11965, C replaced by G.
Protein change: p.Gln3989Glu; replaces glutamine 3989 with glutamic acid.
Molecular consequence: missense variant.
Genome position (GRCh38, 1-based): chr7:21,868,989, C>G. VCF-style: chr7-21868989-C-G. GRCh37 (hg19) VCF-style: chr7-21908607-C-G.
Other names: c.11986C>G, p.Gln3996Glu (NM_003777.3); short protein forms Q3996E, Q3989E.
Identifiers: ClinVar variation 2789831 (VCV002789831.3), dbSNP rs2534038850, ClinGen allele CA366962906.

ClinVar aggregate classification (germline): Uncertain significance (1 of 4 stars; one submission).

Conditions:
Primary ciliary dyskinesia. Also called: Ciliary dyskinesia. Identifiers: Orphanet 244, MedGen C0008780, MONDO:0016575, HP:0012265.

Submission:

Labcorp Genetics (formerly Invitae), Labcorp
Classification: Uncertain significance for Primary ciliary dyskinesia. Last evaluated: 2023-05-23. Review status: criteria provided, single submitter. Criteria: Invitae Variant Classification Sherloc (09022015). Collection method: clinical testing. Allele origin: germline.
Comment: This variant has not been reported in the literature in individuals affected with DNAH11-related conditions. In summary, the available evidence is currently insufficient to determine the role of this variant in disease. Therefore, it has been classified as a Variant of Uncertain Significance. An algorithm developed to predict the effect of missense changes on protein structure and function (PolyPhen-2) suggests that this variant is likely to be tolerated. This variant is not present in population databases (gnomAD no frequency). This sequence change replaces glutamine, which is neutral and polar, with glutamic acid, which is acidic and polar, at codon 3989 of the DNAH11 protein (p.Gln3989Glu).